The following is an entry in ClinVar:

ClinVar aggregate classification (germline): Uncertain significance (1 of 4 stars; one submission).

Allele frequency attached by ClinVar (database versions not stated): gnomAD exomes below 0.00001.
gnomAD v4.1: 2 of 1,587,226 alleles (0.00013%); highest among the groups gnomAD compares: East Asian, 0.0045%; no homozygotes.

Submission:

Ambry Genetics
Classification: Uncertain significance. Last evaluated: 2023-12-22. Review status: criteria provided, single submitter. Criteria: Ambry Variant Classification Scheme 2023. Collection method: clinical testing. Allele origin: germline.
Comment: The p.F2212L variant (also known as c.6634T>C), located in coding exon 22 of the POLQ gene, results from a T to C substitution at nucleotide position 6634. The phenylalanine at codon 2212 is replaced by leucine, an amino acid with highly similar properties. This amino acid position is conserved. In addition, this alteration is predicted to be tolerated by in silico analysis. Since supporting evidence is limited at this time, the clinical significance of this alteration remains unclear.

NM_199420.4(POLQ):c.6634T>C (p.Phe2212Leu)

Gene: POLQ (DNA polymerase theta; minus strand). Cytogenetic location: 3q13.33.
Variant type: single nucleotide variant.
Coding change: c.6634T>C on transcript NM_199420.4 (MANE Select); coding-DNA position 6634, T replaced by C.
Protein change: p.Phe2212Leu; replaces phenylalanine 2212 with leucine.
Molecular consequence: missense variant.
Genome position (GRCh38, 1-based): chr3:121,472,074, A>G on the plus strand (T>C on the coding strand, the complement: POLQ is on the minus strand). VCF-style: chr3-121472074-A-G. GRCh37 (hg19) VCF-style: chr3-121190921-A-G.
Other names: short protein forms F2212L.
Identifiers: ClinVar variation 1754585 (VCV001754585.2), dbSNP rs1560092545, ClinGen allele CA354085338.